The following is an entry in ClinVar:

ClinVar aggregate classification (germline): Uncertain significance (1 of 4 stars; one submission).

Submission:

Ambry Genetics
Classification: Uncertain significance. Last evaluated: 2024-03-28. Review status: criteria provided, single submitter. Criteria: Ambry Variant Classification Scheme 2023. Collection method: clinical testing. Allele origin: germline.
Comment: The p.P1777L variant (also known as c.5330C>T), located in coding exon 16 of the POLQ gene, results from a C to T substitution at nucleotide position 5330. The proline at codon 1777 is replaced by leucine, an amino acid with similar properties. This amino acid position is conserved. In addition, this alteration is predicted to be tolerated by in silico analysis. Since supporting evidence is limited at this time, the clinical significance of this alteration remains unclear.

NM_199420.4(POLQ):c.5330C>T (p.Pro1777Leu)

Gene: POLQ (DNA polymerase theta; minus strand). Cytogenetic location: 3q13.33.
Variant type: single nucleotide variant.
Coding change: c.5330C>T on transcript NM_199420.4 (MANE Select); coding-DNA position 5330, C replaced by T.
Protein change: p.Pro1777Leu; replaces proline 1777 with leucine.
Molecular consequence: missense variant.
Genome position (GRCh38, 1-based): chr3:121,487,601, G>A on the plus strand (C>T on the coding strand, the complement: POLQ is on the minus strand). VCF-style: chr3-121487601-G-A. GRCh37 (hg19) VCF-style: chr3-121206448-G-A.
Other names: short protein forms P1777L.
Identifiers: ClinVar variation 1746880 (VCV001746880.2), dbSNP rs185374827, ClinGen allele CA354090537.